The following is an entry in ClinVar:

ClinVar aggregate classification (germline): Uncertain significance (1 of 4 stars; one submission).

Allele frequency attached by ClinVar (database versions not stated): gnomAD exomes below 0.00001.
gnomAD v4.1: 3 of 1,609,942 alleles (0.00019%); highest among the groups gnomAD compares: South Asian, 0.0033%; no homozygotes.

Submission:

Labcorp Genetics (formerly Invitae), Labcorp
Classification: Uncertain significance. Last evaluated: 2023-10-12. Review status: criteria provided, single submitter. Criteria: Invitae Variant Classification Sherloc (09022015). Collection method: clinical testing. Allele origin: germline.
Comment: This sequence change replaces proline, which is neutral and non-polar, with serine, which is neutral and polar, at codon 977 of the DUOX2 protein (p.Pro977Ser). This variant is not present in population databases (gnomAD no frequency). This variant has not been reported in the literature in individuals affected with DUOX2-related conditions. Advanced modeling of protein sequence and biophysical properties (such as structural, functional, and spatial information, amino acid conservation, physicochemical variation, residue mobility, and thermodynamic stability) performed at Invitae indicates that this missense variant is not expected to disrupt DUOX2 protein function. In summary, the available evidence is currently insufficient to determine the role of this variant in disease. Therefore, it has been classified as a Variant of Uncertain Significance.

NM_001363711.2(DUOX2):c.2929C>T (p.Pro977Ser)

Gene: DUOX2 (dual oxidase 2; minus strand). Cytogenetic location: 15q21.1.
Variant type: single nucleotide variant.
Coding change: c.2929C>T on transcript NM_001363711.2 (MANE Select); coding-DNA position 2929, C replaced by T.
Protein change: p.Pro977Ser; replaces proline 977 with serine.
Molecular consequence: missense variant.
Genome position (GRCh38, 1-based): chr15:45,100,831, G>A on the plus strand (C>T on the coding strand, the complement: DUOX2 is on the minus strand). VCF-style: chr15-45100831-G-A. GRCh37 (hg19) VCF-style: chr15-45393029-G-A.
Other names: c.2929C>T, p.Pro977Ser (NM_014080.5); short protein forms P977S.
Identifiers: ClinVar variation 2767821 (VCV002767821.3), dbSNP rs2504753543, ClinGen allele CA392264792.